The following is an entry in ClinVar:

NM_000179.3(MSH6):c.2338G>C (p.Ala780Pro)

Gene: MSH6 (mutS homolog 6; plus strand). Cytogenetic location: 2p16.3.
Variant type: single nucleotide variant.
Coding change: c.2338G>C on transcript NM_000179.3 (MANE Select); coding-DNA position 2338, G replaced by C.
Protein change: p.Ala780Pro; replaces alanine 780 with proline.
Molecular consequence: missense variant. On other transcripts: non-coding transcript variant (5), intron variant (3).
Genome position (GRCh38, 1-based): chr2:47,800,321, G>C. VCF-style: chr2-47800321-G-C. GRCh37 (hg19) VCF-style: chr2-48027460-G-C.
Other names: c.1948G>C, p.Ala650Pro (NM_001281492.2); c.1432G>C, p.Ala478Pro (NM_001281493.2, NM_001281494.2, NM_001406811.1 and 6 more transcripts); c.2434G>C, p.Ala812Pro (NM_001406795.1, NM_001406802.1); c.2338G>C, p.Ala780Pro (NM_001406796.1, NM_001406798.1, NM_001406800.1 and 2 more transcripts); c.2041G>C, p.Ala681Pro (NM_001406797.1, NM_001406801.1, NM_001406805.1 and 10 more transcripts); c.1813G>C, p.Ala605Pro (NM_001406799.1, NM_001406806.1, NM_001406807.1); c.2260G>C, p.Ala754Pro (NM_001406804.1); c.2344G>C, p.Ala782Pro (NM_001406813.1); and 4 more; short protein forms A650P, A782P, A812P, A478P, A780P, A724P, A754P, A605P.
Identifiers: ClinVar variation 3875092 (VCV003875092.1).

ClinVar aggregate classification (germline): Uncertain significance (1 of 4 stars; one submission).

Conditions:
Hereditary cancer-predisposing syndrome. Also called: Tumor predisposition; Neoplastic Syndromes, Hereditary; Hereditary Cancer Syndrome; Hereditary neoplastic syndrome. Identifiers: Orphanet 140162, MedGen C0027672, MeSH D009386, MONDO:0015356.

Submission:

Ambry Genetics
Classification: Uncertain significance for Hereditary cancer-predisposing syndrome. Last evaluated: 2025-02-16. Review status: criteria provided, single submitter. Criteria: Ambry Variant Classification Scheme 2023. Collection method: clinical testing. Allele origin: germline.
Comment: The p.A780P variant (also known as c.2338G>C), located in coding exon 4 of the MSH6 gene, results from a G to C substitution at nucleotide position 2338. The alanine at codon 780 is replaced by proline, an amino acid with highly similar properties. This amino acid position is conserved. In addition, this alteration is predicted to be deleterious by in silico analysis. Based on the available evidence, the clinical significance of this variant remains unclear.